The following is an entry in ClinVar:

ClinVar aggregate classification (germline): Likely benign (1 of 4 stars; one submission).

Conditions:
SORL1-related disorder. Also called: SORL1-related condition.

gnomAD v4.1: 20 of 1,613,546 alleles (0.0012%); highest among the groups gnomAD compares: African/African-American, 0.0053%; no homozygotes.

Submission:

PreventionGenetics, part of Exact Sciences
Classification: Likely benign for SORL1-related condition. Last evaluated: 2026-07-02. Review status: criteria provided, single submitter. Criteria: ACMG Guidelines, 2015. Collection method: clinical testing. Allele origin: germline.
Comment: This variant is classified as likely benign based on ACMG/AMP sequence variant interpretation guidelines (Richards et al. 2015 PMID: 25741868, with internal and published modifications).

NM_003105.6(SORL1):c.3918C>T (p.Ser1306=)

Gene: SORL1 (sortilin related receptor 1; plus strand). Cytogenetic location: 11q24.1.
Variant type: single nucleotide variant.
Coding change: c.3918C>T on transcript NM_003105.6 (MANE Select); coding-DNA position 3918, C replaced by T.
Protein change: p.Ser1306=; no amino-acid change (serine 1306 retained).
Molecular consequence: synonymous variant.
Genome position (GRCh38, 1-based): chr11:121,588,123, C>T. VCF-style: chr11-121588123-C-T. GRCh37 (hg19) VCF-style: chr11-121458832-C-T.
Identifiers: ClinVar variation 4981158 (VCV004981158.1).